The following is an entry in ClinVar:

NM_152564.5(VPS13B):c.3553C>T (p.Leu1185=)

Gene: VPS13B (vacuolar protein sorting 13 homolog B; plus strand). Cytogenetic location: 8q22.2.
Variant type: single nucleotide variant.
Coding change: c.3553C>T on transcript NM_152564.5 (MANE Select); coding-DNA position 3553, C replaced by T.
Protein change: p.Leu1185=; no amino-acid change (leucine 1185 retained).
Molecular consequence: synonymous variant.
Genome position (GRCh38, 1-based): chr8:99,467,521, C>T. VCF-style: chr8-99467521-C-T. GRCh37 (hg19) VCF-style: chr8-100479749-C-T.
Other names: c.3553C>T (NM_152564.4); c.3553C>T, p.Leu1185= (NM_017890.5).
Identifiers: ClinVar variation 1089188 (VCV001089188.11), dbSNP rs761707088, ClinGen allele CA4823270.

ClinVar aggregate classification (germline): Likely benign. Review status: criteria provided, single submitter (1 of 4 stars). 2 submissions from 2 submitters: Likely benign (1). 1 of the submissions does not count toward it. Last evaluated 2026-01-08.

Conditions:
Cohen syndrome (COH1). Also called: Cutis verticis gyrata, retinitis pigmentosa, and sensorineural deafness; PEPPER SYNDROME. Identifiers: Orphanet 193, MedGen C0265223, MONDO:0008999, OMIM 216550.
VPS13B-related disorder. Also called: VPS13B-related condition.

Allele frequency attached by ClinVar (database versions not stated): gnomAD exomes below 0.00001; ExAC 0.00001; gnomAD 0.00001; TOPMed 0.00001.
gnomAD v4.1: 18 of 1,613,706 alleles (0.0011%); highest among the groups gnomAD compares: Non-Finnish European, 0.0014%; no homozygotes.

Submissions (2):

Labcorp Genetics (formerly Invitae), Labcorp
Classification: Likely benign for Cohen syndrome. Last evaluated: 2026-01-08. Review status: criteria provided, single submitter. Criteria: Invitae Variant Classification Sherloc (09022015). Collection method: clinical testing. Allele origin: germline.

PreventionGenetics, part of Exact Sciences
Classification: Likely benign for VPS13B-related condition. Last evaluated: 2022-04-11. Review status: no assertion criteria provided. Collection method: clinical testing. Allele origin: germline. Not counted in ClinVar's aggregate classification.
Comment: This variant is classified as likely benign based on ACMG/AMP sequence variant interpretation guidelines (Richards et al. 2015 PMID: 25741868, with internal and published modifications).